The following is an entry in ClinVar:

ClinVar aggregate classification (germline): Uncertain significance. Review status: criteria provided, single submitter (1 of 4 stars). 2 submissions from 2 submitters: Uncertain significance (1). 1 of the submissions does not count toward it. Last evaluated 2024-10-20.

Conditions:
SH2B1-related disorder. Also called: SH2B1-related condition.

gnomAD v4.1: 3 of 1,613,876 alleles (0.00019%); highest among the groups gnomAD compares: African/African-American, 0.0027%; no homozygotes.

Submissions (2):

Ambry Genetics
Classification: Uncertain significance. Last evaluated: 2024-10-20. Review status: criteria provided, single submitter. Criteria: Ambry Variant Classification Scheme 2023. Collection method: clinical testing. Allele origin: germline.

PreventionGenetics, part of Exact Sciences
Classification: Uncertain significance for SH2B1-related condition. Last evaluated: 2024-01-03. Review status: no assertion criteria provided. Collection method: clinical testing. Allele origin: germline. Not counted in ClinVar's aggregate classification.
Comment: The SH2B1 c.518G>A variant is predicted to result in the amino acid substitution p.Arg173Gln. To our knowledge, this variant has not been reported in the literature. This variant is reported in 0.0062% of alleles in individuals of African descent in gnomAD. At this time, the clinical significance of this variant is uncertain due to the absence of conclusive functional and genetic evidence.

NM_001387430.1(SH2B1):c.518G>A (p.Arg173Gln)

Gene: SH2B1 (SH2B adaptor protein 1; plus strand). Cytogenetic location: 16p11.2.
Variant type: single nucleotide variant.
Coding change: c.518G>A on transcript NM_001387430.1 (MANE Select); coding-DNA position 518, G replaced by A.
Protein change: p.Arg173Gln; replaces arginine 173 with glutamine.
Molecular consequence: missense variant. On other transcripts: intron variant (1).
Genome position (GRCh38, 1-based): chr16:28,866,612, G>A. VCF-style: chr16-28866612-G-A. GRCh37 (hg19) VCF-style: chr16-28877933-G-A.
Other names: c.518G>A, p.Arg173Gln (NM_001145795.2, NM_001145796.2, NM_001145797.2 and 4 more transcripts); c.-26-762G>A (NM_001308294.2); short protein forms R173Q.
Identifiers: ClinVar variation 3358758 (VCV003358758.2).